The following is an entry in ClinVar:

ClinVar aggregate classification (germline): Uncertain significance (1 of 4 stars; one submission).

Conditions:
Brugada syndrome 5 (BRGDA5). Identifiers: Orphanet 130, Orphanet 871, MedGen C2748541, MONDO:0013015, OMIM 612838.

Submission:

Labcorp Genetics (formerly Invitae), Labcorp
Classification: Uncertain significance for Brugada syndrome 5. Last evaluated: 2023-06-27. Review status: criteria provided, single submitter. Criteria: Invitae Variant Classification Sherloc (09022015). Collection method: clinical testing. Allele origin: germline.
Comment: This sequence change replaces glutamic acid, which is acidic and polar, with lysine, which is basic and polar, at codon 195 of the SCN1B protein (p.Glu195Lys). This variant is present in population databases (no rsID available, gnomAD 0.001%). This variant has not been reported in the literature in individuals affected with SCN1B-related conditions. An algorithm developed to predict the effect of missense changes on protein structure and function (PolyPhen-2) suggests that this variant is likely to be tolerated. In summary, the available evidence is currently insufficient to determine the role of this variant in disease. Therefore, it has been classified as a Variant of Uncertain Significance.

NM_001037.5(SCN1B):c.448+135G>A

Gene: SCN1B (sodium voltage-gated channel beta subunit 1; plus strand). Cytogenetic location: 19q13.11.
Variant type: single nucleotide variant.
Coding change: c.448+135G>A on transcript NM_001037.5 (MANE Select); 135 bases into the intron after coding-DNA position 448, G replaced by A.
Molecular consequence: intron variant. On other transcripts: missense variant (1).
Genome position (GRCh38, 1-based): chr19:35,033,874, G>A. VCF-style: chr19-35033874-G-A. GRCh37 (hg19) VCF-style: chr19-35524778-G-A.
Other names: c.583G>A, p.Glu195Lys (NM_199037.5); c.349+135G>A (NM_001321605.2); short protein forms E195K.
Identifiers: ClinVar variation 2895890 (VCV002895890.3), dbSNP rs945858287, ClinGen allele CA307703752.
Genomic context (GRCh38, chr19:35,033,874, plus strand): 5'-GACAGGACAGGCTGGCTCTGTGCCTGGCCAGCCAACCGCCCACAGCAGCGGGCTGAGGGG[G>A]AGGGGAGCAGCCCCTCCTGCCCACTCCAGCTCTGGCCTCTGTTTCTCTCCAGCCCACGGA-3'